The following is an entry in ClinVar:

NM_003620.4(PPM1D):c.178G>A (p.Gly60Ser)

Gene: PPM1D (protein phosphatase, Mg2+/Mn2+ dependent 1D; plus strand). Cytogenetic location: 17q23.2.
Variant type: single nucleotide variant.
Coding change: c.178G>A on transcript NM_003620.4 (MANE Select); coding-DNA position 178, G replaced by A.
Protein change: p.Gly60Ser; replaces glycine 60 with serine.
Molecular consequence: missense variant.
Genome position (GRCh38, 1-based): chr17:60,600,592, G>A. VCF-style: chr17-60600592-G-A. GRCh37 (hg19) VCF-style: chr17-58677953-G-A.
Other names: short protein forms G60S.
Identifiers: ClinVar variation 4744041 (VCV004744041.1).

ClinVar aggregate classification (germline): Uncertain significance (1 of 4 stars; one submission).

Submission:

Labcorp Genetics (formerly Invitae), Labcorp
Classification: Uncertain significance. Last evaluated: 2025-08-20. Review status: criteria provided, single submitter. Criteria: Invitae Variant Classification Sherloc (09022015). Collection method: clinical testing. Allele origin: germline.
Comment: This sequence change replaces glycine, which is neutral and non-polar, with serine, which is neutral and polar, at codon 60 of the PPM1D protein (p.Gly60Ser). This variant is not present in population databases (gnomAD no frequency). This variant has not been reported in the literature in individuals affected with PPM1D-related conditions. An algorithm developed to predict the effect of missense changes on protein structure and function (PolyPhen-2) suggests that this variant is likely to be tolerated. In summary, the available evidence is currently insufficient to determine the role of this variant in disease. Therefore, it has been classified as a Variant of Uncertain Significance.